The following is an entry in ClinVar:

ClinVar aggregate classification (germline): Uncertain significance. Review status: criteria provided, single submitter (1 of 4 stars). 2 submissions from 2 submitters: Uncertain significance (1). 1 of the submissions does not count toward it. Last evaluated 2018-06-14.

Conditions:
TTN-related disorder. Also called: TTN-related disorders; TTN-related condition; TTN-related disease.

Allele frequency attached by ClinVar (database versions not stated): gnomAD exomes 0.00001 and 0.00004; gnomAD 0.00002 and 0.00004; TOPMed 0.00003; ExAC 0.00004.
gnomAD v4.1: 29 of 1,612,538 alleles (0.0018%); highest among the groups gnomAD compares: East Asian, 0.031%; no homozygotes.

Submissions (2):

Eurofins Ntd Llc (ga)
Classification: Uncertain significance. Last evaluated: 2018-06-14. Review status: criteria provided, single submitter. Criteria: EGL ClinVar v180209 classification definitions. Collection method: clinical testing. Allele origin: germline. Observed: 1 variant allele, 1 heterozygote.

PreventionGenetics, part of Exact Sciences
Classification: Uncertain significance for TTN-related condition. Last evaluated: 2024-08-30. Review status: no assertion criteria provided. Collection method: clinical testing. Allele origin: germline. Not counted in ClinVar's aggregate classification.
Comment: The TTN c.16757G>A variant is predicted to result in the amino acid substitution p.Cys5586Tyr. This variant is referred to as c.11312-3722G>A (intronic) with an alternate transcript NM_001267550.2. To our knowledge, this variant has not been reported in individuals with TTN-associated disorders in the literature. This variant is reported in 0.035% of alleles in individuals of East Asian descent in gnomAD. At this time, the clinical significance of this variant is uncertain due to the absence of conclusive functional and genetic evidence.

NM_133379.5(TTN):c.16757G>A (p.Cys5586Tyr)

Gene: TTN (titin; minus strand). Cytogenetic location: 2q31.2.
Variant type: single nucleotide variant.
Coding change: c.16757G>A on transcript NM_133379.5; coding-DNA position 16757, G replaced by A.
Protein change: p.Cys5586Tyr; replaces cysteine 5586 with tyrosine.
Molecular consequence: missense variant. On other transcripts: intron variant (6).
Genome position (GRCh38, 1-based): chr2:178,745,643, C>T on the plus strand (G>A on the coding strand, the complement: TTN is on the minus strand). VCF-style: chr2-178745643-C-T. GRCh37 (hg19) VCF-style: chr2-179610370-C-T.
Other names: c.16757G>A (NM_133379.4); c.10223-3722G>A (NM_003319.4); c.10799-3722G>A (NM_133437.4); c.10598-3722G>A (NM_133432.3); c.10361-7283G>A (NM_133378.4); c.10361-3722G>A (NM_001256850.1); c.11312-3722G>A (NM_001267550.2); short protein forms C5586Y.
Identifiers: ClinVar variation 597552 (VCV000597552.6), dbSNP rs768783940, ClinGen allele CA2002895.
Genomic context (GRCh38, chr2:178,745,643, plus strand): 5'-TTTTAAGTTAAGGTGAGTGCTGCAAAGCTCTCAGCCATTCCTGATTTGTTTGTAGCTACA[C>T]ACCTATACTCTCCTTCATCACTCTTTACTAAGCTTGTTATAAACAGGTTATGGAACCCTG-3'